The following is an entry in ClinVar:

ClinVar aggregate classification (germline): Likely pathogenic (1 of 4 stars; one submission).

Conditions:
Neuronal ceroid lipofuscinosis 5 (CLN5). Also called: Neuronal ceroid lipofuscinosis Finnish variant; NEURONAL CEROID LIPOFUSCINOSIS, LATE INFANTILE, FINNISH VARIANT; CEROID LIPOFUSCINOSIS, NEURONAL, 5, VARIABLE AGE AT ONSET; CLN5-Related Neuronal Ceroid-Lipofuscinosis. Identifiers: Orphanet 168491, Orphanet 228360, MedGen C1850442, MONDO:0009745, OMIM 256731.

Submission:

Human Genome Lab, NIMHANS, National Institute of Mental Health and Neuro Sciences
Classification: Likely pathogenic for Neuronal ceroid lipofuscinosis 5. Review status: criteria provided, single submitter. Criteria: ACMG Guidelines, 2015. Collection method: clinical testing. Allele origin: germline. Inheritance: Autosomal recessive inheritance. Affected: yes. Observed: 1 homozygote.
Comment: The missense variant NM_006493.4:c.350A>C has not been reported previously as a pathogenic variant nor as a benign variant, to our knowledge. The NP_006484.2:p.His117Pro variant is novel (not in any individuals) in 1000 Genomes, in gnomAD as well as in our inhouse database. There is a moderate physicochemical difference between histidine and proline. The p.His117Pro missense variant is predicted to be damaging by both SIFT and PolyPhen2. The histidine residue at codon 117 of CLN5 is conserved in all mammalian species. The nucleotide c.350 in CLN5 is predicted conserved by GERP++ and PhyloP across 100 vertebrates. In addition, the patient's clinical phenotype matches with that of the disorder caused by pathogenic variants in CLN5 gene. For these reasons, this variant has been classified as Likely Pathogenic (PM2 PP3 PP4_Strong).

NM_006493.4(CLN5):c.350A>C (p.His117Pro)

Gene: CLN5 (CLN5 lysosomal BMP synthase; plus strand). Cytogenetic location: 13q22.3.
Variant type: single nucleotide variant.
Coding change: c.350A>C on transcript NM_006493.4 (MANE Select); coding-DNA position 350, A replaced by C.
Protein change: p.His117Pro; replaces histidine 117 with proline.
Molecular consequence: missense variant.
Genome position (GRCh38, 1-based): chr13:76,995,912, A>C. VCF-style: chr13-76995912-A-C. GRCh37 (hg19) VCF-style: chr13-77570047-A-C.
Other names: c.350A>C, p.His117Pro (NM_001366624.2); short protein forms H117P, H166P.
Identifiers: ClinVar variation 2627619 (VCV002627619.2), dbSNP rs2501139368, ClinGen allele CA388308622.
Genomic context (GRCh38, chr13:76,995,912, plus strand): 5'-ACCCATGGTTGTGTCACAGTTGCTTTTATACATGTACTGTCTTTACACAGAAAATTATGC[A>C]TGATGCCATTGGATTCAGAAGTACATTAACTGGCAAGAACTACACAATGGAATGGTATGA-3'
Protein context (NP_006484.2, residues 107-127): GDLLGHLKIM[His117Pro]DAIGFRSTLT